The following is an entry in ClinVar:

ClinVar aggregate classification (germline): Uncertain significance (1 of 4 stars; one submission).

Allele frequency attached by ClinVar (database versions not stated): gnomAD exomes below 0.00001.
gnomAD v4.1: 2 of 1,613,366 alleles (0.00012%); highest among the groups gnomAD compares: East Asian, 0.0022%; no homozygotes.

Submission:

Labcorp Genetics (formerly Invitae), Labcorp
Classification: Uncertain significance. Last evaluated: 2023-04-24. Review status: criteria provided, single submitter. Criteria: Invitae Variant Classification Sherloc (09022015). Collection method: clinical testing. Allele origin: germline.
Comment: In summary, the available evidence is currently insufficient to determine the role of this variant in disease. Therefore, it has been classified as a Variant of Uncertain Significance. An algorithm developed to predict the effect of missense changes on protein structure and function (PolyPhen-2) suggests that this variant is likely to be tolerated. ClinVar contains an entry for this variant (Variation ID: 2027791). This sequence change replaces isoleucine, which is neutral and non-polar, with threonine, which is neutral and polar, at codon 4 of the SGMS2 protein (p.Ile4Thr). This variant is not present in population databases (gnomAD no frequency). This variant has not been reported in the literature in individuals affected with SGMS2-related conditions.

NM_001375905.1(SGMS2):c.11T>C (p.Ile4Thr)

Genes: CYP2U1-AS1 (CYP2U1 and SGMS2 antisense RNA 1; minus strand), SGMS2 (sphingomyelin synthase 2; plus strand). Cytogenetic location: 4q25.
Variant type: single nucleotide variant.
Coding change: c.11T>C on transcript NM_001375905.1 (MANE Select); coding-DNA position 11, T replaced by C.
Protein change: p.Ile4Thr; replaces isoleucine 4 with threonine.
Molecular consequence: missense variant. On other transcripts: intron variant (1).
Genome position (GRCh38, 1-based): chr4:107,895,564, T>C. VCF-style: chr4-107895564-T-C. GRCh37 (hg19) VCF-style: chr4-108816720-T-C.
Other names: c.11T>C, p.Ile4Thr (NM_001136257.2, NM_001136258.2, NM_001375906.1 and 4 more transcripts); c.-64-4011T>C (NM_001375911.1); short protein forms I4T.
Identifiers: ClinVar variation 2027791 (VCV002027791.4), dbSNP rs1730594853, ClinGen allele CA357834201.